The following is an entry in ClinVar:

ClinVar aggregate classification (germline): Uncertain significance. Review status: criteria provided, single submitter (1 of 4 stars). 2 submissions from 2 submitters: Uncertain significance (1). 1 of the submissions does not count toward it. Last evaluated 2022-03-19.

Conditions:
Leber congenital amaurosis 5 (LCA5). Also called: Amaurosis congenita of Leber, type 5. Identifiers: Orphanet 65, MedGen C1858301, MONDO:0011473, OMIM 604537.

Allele frequency attached by ClinVar (database versions not stated): gnomAD 0.00001; TOPMed 0.00002.
gnomAD v4.1: 1 of 1,612,742 alleles (0.000062%); highest among the groups gnomAD compares: African/African-American, 0.0013%; no homozygotes.

Submissions (2):

Labcorp Genetics (formerly Invitae), Labcorp
Classification: Uncertain significance. Last evaluated: 2022-03-19. Review status: criteria provided, single submitter. Criteria: Invitae Variant Classification Sherloc (09022015). Collection method: clinical testing. Allele origin: germline.
Comment: This sequence change replaces phenylalanine, which is neutral and non-polar, with serine, which is neutral and polar, at codon 576 of the LCA5 protein (p.Phe576Ser). This variant is not present in population databases (gnomAD no frequency). This variant has not been reported in the literature in individuals affected with LCA5-related conditions. ClinVar contains an entry for this variant (Variation ID: 968903). Algorithms developed to predict the effect of missense changes on protein structure and function (SIFT, PolyPhen-2, Align-GVGD) all suggest that this variant is likely to be tolerated. In summary, the available evidence is currently insufficient to determine the role of this variant in disease. Therefore, it has been classified as a Variant of Uncertain Significance.

Natera, Inc.
Classification: Uncertain significance for Leber congenital amaurosis type 5. Last evaluated: 2021-05-26. Review status: no assertion criteria provided. Collection method: clinical testing. Allele origin: germline. Not counted in ClinVar's aggregate classification.

NM_001122769.3(LCA5):c.1727T>C (p.Phe576Ser)

Gene: LCA5 (lebercilin LCA5; minus strand). Cytogenetic location: 6q14.1.
Variant type: single nucleotide variant.
Coding change: c.1727T>C on transcript NM_001122769.3 (MANE Select); coding-DNA position 1727, T replaced by C.
Protein change: p.Phe576Ser; replaces phenylalanine 576 with serine.
Molecular consequence: missense variant.
Genome position (GRCh38, 1-based): chr6:79,487,371, A>G on the plus strand (T>C on the coding strand, the complement: LCA5 is on the minus strand). VCF-style: chr6-79487371-A-G. GRCh37 (hg19) VCF-style: chr6-80197088-A-G.
Other names: c.1727T>C, p.Phe576Ser (NM_181714.4); short protein forms F576S.
Identifiers: ClinVar variation 968903 (VCV000968903.8), dbSNP rs1674669719, ClinGen allele CA364638865.